The following is an entry in ClinVar:

ClinVar aggregate classification (germline): Uncertain significance (1 of 4 stars; one submission).

Conditions:
Refsum disease, classic. Also called: HEREDOPATHIA ATACTICA POLYNEURITIFORMIS; HMSN IV; PHYTANIC ACID OXIDASE DEFICIENCY; PHYH-Related Refsum Disease. Identifiers: Orphanet 773, MedGen C5780941, MONDO:1060256, OMIM 266500. Disease mechanism: loss of function.

Submission:

Myriad Genetics, Inc.
Classification: Uncertain significance for Refsum disease, classic. Last evaluated: 2026-01-02. Review status: criteria provided, single submitter. Criteria: Myriad Autosomal Dominant, Autosomal Recessive and X-Linked Classification Criteria (2023). Collection method: clinical testing. Allele origin: unknown.
Comment: NM_006214.3(PHYH):c.528G>C(Q176H) is a missense variant classified as a variant of uncertain significance in the context of Refsum disease, PHYH-related. Q176H has not been observed in cases with relevant disease. Relevant functional assessments of this variant are not available in the literature. Q176H has not been observed in referenced population frequency databases. In summary, there is insufficient evidence to classify NM_006214.3(PHYH):c.528G>C(Q176H) as pathogenic or benign. Please note: this variant was assessed in the context of healthy population screening.

NM_006214.4(PHYH):c.528G>C (p.Gln176His)

Gene: PHYH (phytanoyl-CoA 2-hydroxylase; minus strand). Cytogenetic location: 10p13.
Variant type: single nucleotide variant.
Coding change: c.528G>C on transcript NM_006214.4 (MANE Select); coding-DNA position 528, G replaced by C.
Protein change: p.Gln176His; replaces glutamine 176 with histidine.
Molecular consequence: missense variant. On other transcripts: intron variant (1).
Genome position (GRCh38, 1-based): chr10:13,288,510, C>G on the plus strand (G>C on the coding strand, the complement: PHYH is on the minus strand). VCF-style: chr10-13288510-C-G. GRCh37 (hg19) VCF-style: chr10-13330510-C-G.
Other names: c.228G>C, p.Gln76His (NM_001037537.2, NM_001323080.2); c.534G>C, p.Gln178His (NM_001323082.2); c.234G>C, p.Gln78His (NM_001323084.2); c.415-4671G>C (NM_001323083.2); short protein forms Q76H, Q176H, Q178H, Q78H.
Identifiers: ClinVar variation 5004288 (VCV005004288.1).